The following is an entry in ClinVar:

ClinVar aggregate classification (germline): Uncertain significance (1 of 4 stars; one submission).

Allele frequency attached by ClinVar (database versions not stated): ExAC 0.00001; gnomAD 0.00001; TOPMed 0.00001.

Submission:

Labcorp Genetics (formerly Invitae), Labcorp
Classification: Uncertain significance. Last evaluated: 2022-09-13. Review status: criteria provided, single submitter. Criteria: Invitae Variant Classification Sherloc (09022015). Collection method: clinical testing. Allele origin: germline.
Comment: This sequence change creates a premature translational stop signal (p.Arg419*) in the NCKAP1L gene. It is expected to result in an absent or disrupted protein product. However, the current clinical and genetic evidence is not sufficient to establish whether loss-of-function variants in NCKAP1L cause disease. This variant is present in population databases (rs747341861, gnomAD 0.0009%). This variant has not been reported in the literature in individuals affected with NCKAP1L-related conditions. In summary, the available evidence is currently insufficient to determine the role of this variant in disease. Therefore, it has been classified as a Variant of Uncertain Significance.

NM_005337.5(NCKAP1L):c.1255C>T (p.Arg419Ter)

Gene: NCKAP1L (NCK associated protein 1 like; plus strand). Cytogenetic location: 12q13.2.
Variant type: single nucleotide variant.
Coding change: c.1255C>T on transcript NM_005337.5 (MANE Select); coding-DNA position 1255, C replaced by T.
Protein change: p.Arg419Ter; replaces arginine 419 with a stop codon.
Molecular consequence: nonsense.
Genome position (GRCh38, 1-based): chr12:54,517,855, C>T. VCF-style: chr12-54517855-C-T. GRCh37 (hg19) VCF-style: chr12-54911639-C-T.
Other names: c.1105C>T, p.Arg369Ter (NM_001184976.2); short protein forms R369*, R419*.
Identifiers: ClinVar variation 1934564 (VCV001934564.5), dbSNP rs747341861, ClinGen allele CA6609095.